The following is an entry in ClinVar:

ClinVar aggregate classification (germline): Uncertain significance (1 of 4 stars; one submission).

Conditions:
Idiopathic generalized epilepsy. Also called: Generalised epilepsy; EIG. Identifiers: MedGen C0270850, MONDO:0005579, OMIM 600669.

Submission:

Labcorp Genetics (formerly Invitae), Labcorp
Classification: Uncertain significance for Idiopathic generalized epilepsy. Last evaluated: 2020-05-11. Review status: criteria provided, single submitter. Criteria: Invitae Variant Classification Sherloc (09022015). Collection method: clinical testing. Allele origin: germline.
Comment: This variant has not been reported in the literature in individuals with GABRD-related conditions. This variant is not present in population databases (ExAC no frequency). This sequence change results in a premature translational stop signal in the GABRD gene (p.Ser218Glnfs*211). While this is not anticipated to result in nonsense mediated decay, it is expected to disrupt the last 235 amino acids of the GABRD protein. In summary, the available evidence is currently insufficient to determine the role of this variant in disease. Therefore, it has been classified as a Variant of Uncertain Significance.

NM_000815.5(GABRD):c.651dup (p.Ser218fs)

Gene: GABRD (gamma-aminobutyric acid type A receptor subunit delta; plus strand). Cytogenetic location: 1p36.33.
Variant type: Duplication.
Coding change: c.651dup on transcript NM_000815.5 (MANE Select); coding-DNA position 651, one base duplicated (C; older notation c.651dupC).
Protein change: p.Ser218fs; shifts the reading frame from serine 218.
Molecular consequence: frameshift variant.
Genome position (GRCh38, 1-based): chr1:2,028,252, C duplicated; the last of 2 consecutive C bases (chr1:2,028,251-2,028,252); duplicating either gives the same sequence. VCF-style (leftmost placement, unchanged base first): chr1-2028250-A-AC. GRCh37 (hg19) VCF-style: chr1-1959689-A-AC.
Other names: short protein forms S218fs.
Identifiers: ClinVar variation 1063927 (VCV001063927.7), dbSNP rs2102151065, ClinGen allele CA2499214407.